The following is an entry in ClinVar:

NM_003118.4(SPARC):c.677T>C (p.Met226Thr)

Gene: SPARC (secreted protein acidic and cysteine rich; minus strand). Cytogenetic location: 5q33.1.
Variant type: single nucleotide variant.
Coding change: c.677T>C on transcript NM_003118.4 (MANE Select); coding-DNA position 677, T replaced by C.
Protein change: p.Met226Thr; replaces methionine 226 with threonine.
Molecular consequence: missense variant.
Genome position (GRCh38, 1-based): chr5:151,666,418, A>G on the plus strand (T>C on the coding strand, the complement: SPARC is on the minus strand). VCF-style: chr5-151666418-A-G. GRCh37 (hg19) VCF-style: chr5-151045979-A-G.
Other names: c.674T>C, p.Met225Thr (NM_001309443.2); c.677T>C, p.Met226Thr (NM_001309444.2); short protein forms M225T, M226T.
Identifiers: ClinVar variation 4808656 (VCV004808656.1).

ClinVar aggregate classification (germline): Uncertain significance (1 of 4 stars; one submission).

gnomAD v4.1: 4 of 1,614,192 alleles (0.00025%); highest among the groups gnomAD compares: Non-Finnish European, 0.00034%; no homozygotes.

Submission:

Labcorp Genetics (formerly Invitae), Labcorp
Classification: Uncertain significance. Last evaluated: 2025-02-06. Review status: criteria provided, single submitter. Criteria: Invitae Variant Classification Sherloc (09022015). Collection method: clinical testing. Allele origin: germline.
Comment: This sequence change replaces methionine, which is neutral and non-polar, with threonine, which is neutral and polar, at codon 226 of the SPARC protein (p.Met226Thr). This variant is present in population databases (no rsID available, gnomAD 0.0009%). This variant has not been reported in the literature in individuals affected with SPARC-related conditions. Invitae Evidence Modeling of protein sequence and biophysical properties (such as structural, functional, and spatial information, amino acid conservation, physicochemical variation, residue mobility, and thermodynamic stability) indicates that this missense variant is not expected to disrupt SPARC protein function with a negative predictive value of 80%. In summary, the available evidence is currently insufficient to determine the role of this variant in disease. Therefore, it has been classified as a Variant of Uncertain Significance.